The following is an entry in ClinVar:

ClinVar aggregate classification (germline): Likely benign (1 of 4 stars; one submission).

Allele frequency attached by ClinVar (database versions not stated): 1000 Genomes Project 30x 0.00156; 1000 Genomes Project 0.00160; ExAC 0.00285; TOPMed 0.00301; gnomAD 0.00303; ESP Exome Variant Server 0.00354; gnomAD exomes 0.00461.
gnomAD v4.1: 7,156 of 1,614,100 alleles (0.44%); highest among the groups gnomAD compares: Non-Finnish European, 0.53%; 22 homozygotes.

Submission:

CeGaT Center for Human Genetics Tuebingen
Classification: Likely benign. Last evaluated: 2026-05-01. Review status: criteria provided, single submitter. Criteria: CeGaT Center For Human Genetics Tuebingen Variant Classification Criteria Version 2. Collection method: clinical testing. Allele origin: germline. Affected: yes. Observed: 4 variant alleles.
Comment: DNAH3: BP4, BP7, BS2

NM_001347886.2(DNAH3):c.7401C>T (p.Asp2467=)

Gene: DNAH3 (dynein axonemal heavy chain 3; minus strand). Cytogenetic location: 16p12.3.
Variant type: single nucleotide variant.
Coding change: c.7401C>T on transcript NM_001347886.2 (MANE Select); coding-DNA position 7401, C replaced by T.
Protein change: p.Asp2467=; no amino-acid change (aspartic acid 2467 retained).
Molecular consequence: synonymous variant.
Genome position (GRCh38, 1-based): chr16:20,985,203, G>A on the plus strand (C>T on the coding strand, the complement: DNAH3 is on the minus strand). VCF-style: chr16-20985203-G-A. GRCh37 (hg19) VCF-style: chr16-20996525-G-A.
Other names: c.7539C>T, p.Asp2513= (NM_017539.2).
Identifiers: ClinVar variation 2646294 (VCV002646294.24), dbSNP rs139502385, ClinGen allele CA7946784.